The following is an entry in ClinVar:

ClinVar aggregate classification (germline): Uncertain significance (1 of 4 stars; one submission).

Submission:

Labcorp Genetics (formerly Invitae), Labcorp
Classification: Uncertain significance. Last evaluated: 2024-05-02. Review status: criteria provided, single submitter. Criteria: Invitae Variant Classification Sherloc (09022015). Collection method: clinical testing. Allele origin: germline.
Comment: This sequence change replaces glycine, which is neutral and non-polar, with tryptophan, which is neutral and slightly polar, at codon 624 of the CSF2RB protein (p.Gly624Trp). This variant is not present in population databases (gnomAD no frequency). This variant has not been reported in the literature in individuals affected with CSF2RB-related conditions. Advanced modeling of protein sequence and biophysical properties (such as structural, functional, and spatial information, amino acid conservation, physicochemical variation, residue mobility, and thermodynamic stability) performed at Invitae indicates that this missense variant is expected to disrupt CSF2RB protein function with a positive predictive value of 80%. In summary, the available evidence is currently insufficient to determine the role of this variant in disease. Therefore, it has been classified as a Variant of Uncertain Significance.

NM_000395.3(CSF2RB):c.1870G>T (p.Gly624Trp)

Gene: CSF2RB (colony stimulating factor 2 receptor subunit beta; plus strand). Cytogenetic location: 22q12.3.
Variant type: single nucleotide variant.
Coding change: c.1870G>T on transcript NM_000395.3 (MANE Select); coding-DNA position 1870, G replaced by T.
Protein change: p.Gly624Trp; replaces glycine 624 with tryptophan.
Molecular consequence: missense variant.
Genome position (GRCh38, 1-based): chr22:36,937,678, G>T. VCF-style: chr22-36937678-G-T. GRCh37 (hg19) VCF-style: chr22-37333720-G-T.
Other names: c.1888G>T, p.Gly630Trp (NM_001410827.1); short protein forms G630W, G624W.
Identifiers: ClinVar variation 3650963 (VCV003650963.2).
Genomic context (GRCh38, chr22:36,937,678, plus strand): 5'-GACATCCTGGGCCAGCCGGAGCCCCCACAGGAGGGTGGGAGCCAGAAGTCCCCACCTCCA[G>T]GGTCCCTGGAGTACCTGTGTCTGCCTGCTGGGGGGCAGGTGCAACTGGTCCCTCTGGCCC-3'
Protein context (NP_000386.1, residues 614-634): EGGSQKSPPP[Gly624Trp]SLEYLCLPAG